The following is an entry in ClinVar:

ClinVar aggregate classification (germline): Likely benign (0 of 4 stars; one submission).

Conditions:
MYH13-related disorder. Also called: MYH13-related condition.

Allele frequency attached by ClinVar (database versions not stated): ExAC 0.00003; gnomAD exomes 0.00003; gnomAD 0.00005; ESP Exome Variant Server 0.00008; 1000 Genomes Project 0.00040; 1000 Genomes Project 30x 0.00047.
gnomAD v4.1: 52 of 1,613,696 alleles (0.0032%); highest among the groups gnomAD compares: African/African-American, 0.011%; 1 homozygote.

Submission:

PreventionGenetics, part of Exact Sciences
Classification: Likely benign for MYH13-related condition. Last evaluated: 2023-01-08. Review status: no assertion criteria provided. Collection method: clinical testing. Allele origin: germline.
Comment: This variant is classified as likely benign based on ACMG/AMP sequence variant interpretation guidelines (Richards et al. 2015 PMID: 25741868, with internal and published modifications).

NM_003802.3(MYH13):c.375C>T (p.Thr125=)

Gene: MYH13 (myosin heavy chain 13; minus strand). Cytogenetic location: 17p13.1.
Variant type: single nucleotide variant.
Coding change: c.375C>T on transcript NM_003802.3 (MANE Select); coding-DNA position 375, C replaced by T.
Protein change: p.Thr125=; no amino-acid change (threonine 125 retained).
Molecular consequence: synonymous variant.
Genome position (GRCh38, 1-based): chr17:10,362,248, G>A on the plus strand (C>T on the coding strand, the complement: MYH13 is on the minus strand). VCF-style: chr17-10362248-G-A. GRCh37 (hg19) VCF-style: chr17-10265565-G-A.
Identifiers: ClinVar variation 3045591 (VCV003045591.2), dbSNP rs199842534, ClinGen allele CA8386781.